The following is an entry in ClinVar:

ClinVar aggregate classification (germline): Benign/Likely benign. Review status: criteria provided, multiple submitters, no conflicts (2 of 4 stars). 5 submissions from 5 submitters: Benign (3); Likely benign (2). Last evaluated 2025-04-11.

Conditions:
CENPE-related disorder. Also called: CENPE-related condition.

Allele frequency attached by ClinVar (database versions not stated): gnomAD exomes 0.00450; ExAC 0.00515; gnomAD 0.01324 and 0.01398; ESP Exome Variant Server 0.01461; TOPMed 0.01496; 1000 Genomes Project 0.01597; 1000 Genomes Project 30x 0.01671.
gnomAD v4.1: 5,271 of 1,613,896 alleles (0.33%); highest among the groups gnomAD compares: African/African-American, 4.4%; 82 homozygotes.

Submissions (5):

PreventionGenetics, part of Exact Sciences
Classification: Benign for CENPE-related condition. Last evaluated: 2025-04-11. Review status: criteria provided, single submitter. Criteria: ACMG Guidelines, 2015. Collection method: clinical testing. Allele origin: germline.
Comment: This variant is classified as benign based on ACMG/AMP sequence variant interpretation guidelines (Richards et al. 2015 PMID: 25741868, with internal and published modifications).

Labcorp Genetics (formerly Invitae), Labcorp
Classification: Benign. Last evaluated: 2019-12-31. Review status: criteria provided, single submitter. Criteria: Invitae Variant Classification Sherloc (09022015). Collection method: clinical testing. Allele origin: germline.

GeneDx
Classification: Benign. Last evaluated: 2019-08-21. Review status: criteria provided, single submitter. Criteria: GeneDx Variant Classification Process June 2021. Collection method: clinical testing. Allele origin: germline. Affected: yes.
Comment: This variant is associated with the following publications: (PMID: 22974711)

Center for Pediatric Genomic Medicine, Children's Mercy Hospital and Clinics
Classification: Likely benign. Last evaluated: 2017-04-27. Review status: criteria provided, single submitter. Criteria: ACMG Guidelines, 2015. Collection method: clinical testing. Allele origin: germline.

Breakthrough Genomics
Classification: Likely benign. Review status: criteria provided, single submitter. Criteria: ACMG Guidelines, 2015. Collection method: not provided. Allele origin: germline. Inheritance: Autosomal recessive inheritance. Affected: yes.

NM_001813.3(CENPE):c.4204A>G (p.Ile1402Val)

Gene: CENPE (centromere protein E; minus strand). Cytogenetic location: 4q24.
Variant type: single nucleotide variant.
Coding change: c.4204A>G on transcript NM_001813.3 (MANE Select); coding-DNA position 4204, A replaced by G.
Protein change: p.Ile1402Val; replaces isoleucine 1402 with valine.
Molecular consequence: missense variant.
Genome position (GRCh38, 1-based): chr4:103,146,038, T>C on the plus strand (A>G on the coding strand, the complement: CENPE is on the minus strand). VCF-style: chr4-103146038-T-C. GRCh37 (hg19) VCF-style: chr4-104067195-T-C.
Other names: c.4129A>G, p.Ile1377Val (NM_001286734.2); short protein forms I1402V, I1377V.
Identifiers: ClinVar variation 445884 (VCV000445884.9), dbSNP rs35505100, ClinGen allele CA3029880.
Genomic context (GRCh38, chr4:103,146,038, plus strand): 5'-CTATTTCTATCCTTAGTAGTGCTGAATCTTTGGGTTTGAATTGCTCCATCTCACTCACGA[T>C]TTTGGTAGTTTCATTGTCTTTTTCTTTCATATTTAAGGACTGTTCTTGTTTGCTTTGAGA-3'
Protein context (NP_001804.2, residues 1392-1412): MKEKDNETTK[Ile1402Val]VSEMEQFKPK